The following is an entry in ClinVar:

ClinVar aggregate classification (germline): Uncertain significance. Review status: criteria provided, multiple submitters, no conflicts (2 of 4 stars). 7 submissions from 7 submitters: Uncertain significance (7). Last evaluated 2026-04-09.

Conditions:
GDAP1-related disorder. Also called: GDAP1-related condition; GDAP1-related disorders.
Charcot-Marie-Tooth disease axonal type 2K (CMT2K). Also called: CHARCOT-MARIE-TOOTH DISEASE, AXONAL, AUTOSOMAL RECESSIVE, TYPE 2K; CHARCOT-MARIE-TOOTH NEUROPATHY, AXONAL, TYPE 2K; Charcot-Marie-Tooth disease type 2K. Identifiers: Orphanet 101097, Orphanet 99944, MedGen C1842983, MONDO:0011916, OMIM 607831.
Charcot-Marie-Tooth disease type 4A. Also called: Charcot-Marie-Tooth disease, demyelinating, autosomal recessive, type 4a. Identifiers: Orphanet 99948, MedGen C1859198, MONDO:0008961, OMIM 214400.
Autosomal dominant Charcot-Marie-Tooth disease type 2K. Also called: CHARCOT-MARIE-TOOTH DISEASE, AXONAL, AUTOSOMAL DOMINANT, TYPE 2K. Identifiers: Orphanet 99944, MedGen C1842984, MONDO:0020558.
Charcot-Marie-Tooth disease, axonal, with vocal cord paresis, autosomal recessive. Also called: CHARCOT-MARIE-TOOTH DISEASE, TYPE 4A, AXONAL FORM; CHARCOT-MARIE-TOOTH NEUROPATHY, AXONAL, WITH VOCAL CORD PARESIS, AUTOSOMAL RECESSIVE; CMT2 WITH VOCAL CORD PARESIS, AUTOSOMAL RECESSIVE. Identifiers: Orphanet 101097, MedGen C1843183, MONDO:0011898, OMIM 607706.
Charcot-Marie-Tooth disease recessive intermediate A (CMTRIA). Also called: CHARCOT-MARIE-TOOTH NEUROPATHY, RECESSIVE INTERMEDIATE A. Identifiers: Orphanet 217055, MedGen C1842197, MONDO:0012014, OMIM 608340.

Allele frequency attached by ClinVar (database versions not stated): ESP Exome Variant Server 0.00008; gnomAD exomes 0.00009 and 0.00010; TOPMed 0.00010; ExAC 0.00012; 1000 Genomes Project 30x 0.00016; 1000 Genomes Project 0.00020; gnomAD 0.00005 and 0.00007.
gnomAD v4.1: 142 of 1,614,064 alleles (0.0088%); highest among the groups gnomAD compares: Middle Eastern, 0.49%; no homozygotes.

Submissions (7):

PreventionGenetics, part of Exact Sciences
Classification: Uncertain significance for GDAP1-related condition. Last evaluated: 2026-04-09. Review status: criteria provided, single submitter. Criteria: ACMG Guidelines, 2015. Collection method: clinical testing. Allele origin: germline.
Comment: The GDAP1 c.1006G>T variant is predicted to result in the amino acid substitution p.Ala336Ser. This variant has been reported in the heterozygous state as a variant of uncertain significance in an individual with features of Charcot-Marie-Tooth disease (Jerath et al. 2022. PubMed ID: 35656516). This variant is reported in 0.016% of alleles in individuals of European (non-Finnish) descent in gnomAD, which may be too frequent to be a primary cause of disease. At this time, the clinical significance of this variant is uncertain due to the absence of conclusive functional and genetic evidence.

Labcorp Genetics (formerly Invitae), Labcorp
Classification: Uncertain significance for Charcot-Marie-Tooth disease type 4A. Last evaluated: 2026-01-27. Review status: criteria provided, single submitter. Criteria: Invitae Variant Classification Sherloc (09022015). Collection method: clinical testing. Allele origin: germline.
Comment: This sequence change replaces alanine, which is neutral and non-polar, with serine, which is neutral and polar, at codon 336 of the GDAP1 protein (p.Ala336Ser). This variant is present in population databases (rs140811185, gnomAD 0.01%). This missense change has been observed in individual(s) with clinical features of Charcot-Marie-Tooth disease (PMID: 35656516). ClinVar contains an entry for this variant (Variation ID: 467754). Invitae Evidence Modeling of protein sequence and biophysical properties (such as structural, functional, and spatial information, amino acid conservation, physicochemical variation, residue mobility, and thermodynamic stability) indicates that this missense variant is not expected to disrupt GDAP1 protein function with a negative predictive value of 80%. In summary, the available evidence is currently insufficient to determine the role of this variant in disease. Therefore, it has been classified as a Variant of Uncertain Significance.

CeGaT Center for Human Genetics Tuebingen
Classification: Uncertain significance. Last evaluated: 2025-09-01. Review status: criteria provided, single submitter. Criteria: CeGaT Center For Human Genetics Tuebingen Variant Classification Criteria Version 2. Collection method: clinical testing. Allele origin: germline. Affected: yes. Observed: 1 variant allele.

Mayo Clinic Laboratories, Mayo Clinic
Classification: Uncertain significance. Last evaluated: 2022-07-01. Review status: criteria provided, single submitter. Criteria: ACMG Guidelines, 2015. Collection method: clinical testing. Allele origin: germline. Observed: 3 variant alleles.
Comment: BP5

Baylor Genetics
Classification: Uncertain significance for Charcot-Marie-Tooth disease type 4A. Last evaluated: 2020-08-12. Review status: criteria provided, single submitter. Criteria: ACMG Guidelines, 2015. Collection method: clinical testing. Allele origin: unknown. Affected: yes.
Comment: This variant was determined to be of uncertain significance according to ACMG Guidelines, 2015 [PMID:25741868].

Fulgent Genetics
Classification: Uncertain significance for Charcot-Marie-Tooth disease type 4A; Charcot-Marie-Tooth disease, axonal, with vocal cord paresis, autosomal recessive; Charcot-Marie-Tooth disease axonal type 2K; Charcot-Marie-Tooth disease recessive intermediate A. Last evaluated: 2018-10-31. Review status: criteria provided, single submitter. Criteria: ACMG Guidelines, 2015. Collection method: clinical testing. Allele origin: unknown.

Breakthrough Genomics
Classification: Uncertain significance. Review status: criteria provided, single submitter. Criteria: ACMG Guidelines, 2015. Collection method: not provided. Allele origin: germline. Inheritance: Autosomal recessive inheritance. Affected: yes.

Literature cited by the submitters: PubMed 35656516 (cited by Labcorp Genetics (formerly Invitae), Labcorp and Mayo Clinic Laboratories, Mayo Clinic); PubMed 26257172 (cited by Mayo Clinic Laboratories, Mayo Clinic).

NM_018972.4(GDAP1):c.1006G>T (p.Ala336Ser)

Gene: GDAP1 (ganglioside induced differentiation associated protein 1; plus strand). Cytogenetic location: 8q21.11.
Variant type: single nucleotide variant.
Coding change: c.1006G>T on transcript NM_018972.4 (MANE Select); coding-DNA position 1006, G replaced by T.
Protein change: p.Ala336Ser; replaces alanine 336 with serine.
Molecular consequence: missense variant. On other transcripts: intron variant (1).
Genome position (GRCh38, 1-based): chr8:74,364,296, G>T. VCF-style: chr8-74364296-G-T. GRCh37 (hg19) VCF-style: chr8-75276531-G-T.
Other names: c.802G>T, p.Ala268Ser (NM_001040875.4); c.679G>T, p.Ala227Ser (NM_001362929.2, NM_001362932.2); c.832G>T, p.Ala278Ser (NM_001362930.2); c.694+1243G>T (NM_001362931.2); short protein forms A336S, A227S, A278S, A268S.
Identifiers: ClinVar variation 467754 (VCV000467754.26), dbSNP rs140811185, ClinGen allele CA4785225.